The following is an entry in ClinVar:

ClinVar aggregate classification (germline): Pathogenic (1 of 4 stars; one submission).

Submission:

Labcorp Genetics (formerly Invitae), Labcorp
Classification: Pathogenic. Last evaluated: 2022-02-05. Review status: criteria provided, single submitter. Criteria: Invitae Variant Classification Sherloc (09022015). Collection method: clinical testing. Allele origin: germline.
Comment: For these reasons, this variant has been classified as Pathogenic. Algorithms developed to predict the effect of sequence changes on RNA splicing suggest that this variant may disrupt the consensus splice site. ClinVar contains an entry for this variant (Variation ID: 1067194). Disruption of this splice site has been observed in individual(s) with pontocerebellar hypoplasia (PMID: 27683254). In at least one individual the data is consistent with being in trans (on the opposite chromosome) from a pathogenic variant. This variant is not present in population databases (gnomAD no frequency). This sequence change affects a donor splice site in intron 4 of the RARS2 gene. It is expected to disrupt RNA splicing. Variants that disrupt the donor or acceptor splice site typically lead to a loss of protein function (PMID: 16199547), and loss-of-function variants in RARS2 are known to be pathogenic (PMID: 17847012, 22569581, 26083569).

Literature cited by the submitters: PubMed 27683254; PubMed 16199547; PubMed 17847012; PubMed 22569581; PubMed 26083569.

NM_020320.5(RARS2):c.297+1G>A

Gene: RARS2 (arginyl-tRNA synthetase 2, mitochondrial; minus strand). Cytogenetic location: 6q15.
Variant type: single nucleotide variant.
Coding change: c.297+1G>A on transcript NM_020320.5 (MANE Select); the canonical splice donor site of the intron after coding-DNA position 297, G replaced by A.
Molecular consequence: splice donor variant.
Genome position (GRCh38, 1-based): chr6:87,562,701, C>T on the plus strand (G>A on the coding strand, the complement: RARS2 is on the minus strand). VCF-style: chr6-87562701-C-T. GRCh37 (hg19) VCF-style: chr6-88272419-C-T.
Other names: c.297+1G>A (NM_001350505.2); c.-173+1G>A (NM_001350509.2, NM_001318785.2); c.-229+1G>A (NM_001350506.2, NM_001350510.2, NM_001350511.2 and 1 more transcripts); c.-391+1G>A (NM_001350508.2).
Identifiers: ClinVar variation 1067194 (VCV001067194.7), dbSNP rs749630029, ClinGen allele CA364938907.